The following is an entry in ClinVar:

ClinVar aggregate classification (germline): Uncertain significance (1 of 4 stars; one submission).

Conditions:
Inborn genetic diseases. Identifiers: MedGen C0950123, MeSH D030342.

Submission:

Ambry Genetics
Classification: Uncertain significance for Inborn genetic diseases. Last evaluated: 2025-05-09. Review status: criteria provided, single submitter. Criteria: Ambry Variant Classification Scheme 2023. Collection method: clinical testing. Allele origin: germline.
Comment: The p.R413G variant (also known as c.1237C>G), located in coding exon 12 of the ASXL1 gene, results from a C to G substitution at nucleotide position 1237. The arginine at codon 413 is replaced by glycine, an amino acid with dissimilar properties. This amino acid position is conserved. In addition, this alteration is predicted to be tolerated by in silico analysis. Based on the available evidence, the clinical significance of this variant remains unclear.

NM_015338.6(ASXL1):c.1237C>G (p.Arg413Gly)

Gene: ASXL1 (ASXL transcriptional regulator 1; plus strand). Cytogenetic location: 20q11.21.
Variant type: single nucleotide variant.
Coding change: c.1237C>G on transcript NM_015338.6 (MANE Select); coding-DNA position 1237, C replaced by G.
Protein change: p.Arg413Gly; replaces arginine 413 with glycine.
Molecular consequence: missense variant.
Genome position (GRCh38, 1-based): chr20:32,433,435, C>G. VCF-style: chr20-32433435-C-G. GRCh37 (hg19) VCF-style: chr20-31021238-C-G.
Other names: c.1054C>G, p.Arg352Gly (NM_001363734.1); short protein forms R352G, R413G.
Identifiers: ClinVar variation 3956804 (VCV003956804.1).